The following is an entry in ClinVar:

NM_000548.5(TSC2):c.5420_5423del (p.Val1807fs)

Gene: TSC2 (TSC complex subunit 2; plus strand). Cytogenetic location: 16p13.3.
Variant type: Microsatellite.
Coding change: c.5420_5423del on transcript NM_000548.5 (MANE Select); coding-DNA positions 5420 to 5423, 4 bases deleted (TGTG; older notation c.5420_5423delTGTG).
Protein change: p.Val1807fs; shifts the reading frame from valine 1807.
Molecular consequence: frameshift variant.
Genome position (GRCh38, 1-based): chr16:2,088,606-2,088,609, TGTG deleted; deleting any 4 consecutive bases within chr16:2,088,604-2,088,609 gives the same sequence; the c. name uses the placement nearest the transcript's 3' end. VCF-style (leftmost placement, unchanged base first): chr16-2088603-TTGTG-T. GRCh37 (hg19) VCF-style: chr16-2138604-TTGTG-T.
Other names: c.5219_5222del, p.Val1740fs (NM_001077183.3); c.5351_5354del, p.Val1784fs (NM_001114382.3); c.5111_5114del, p.Val1704fs (NM_001318827.2); c.5075_5078del, p.Val1692fs (NM_001318829.2); c.4688_4691del, p.Val1563fs (NM_001318831.2); c.5252_5255del, p.Val1751fs (NM_001318832.2); c.5222_5225del, p.Val1741fs (NM_001363528.2); c.5288_5291del, p.Val1763fs (NM_001370404.1); and 2 more; short protein forms V1740fs, V1741fs, V1807fs, V1563fs, V1704fs, V1764fs, V1692fs, V1760fs.
Identifiers: ClinVar variation 50036 (VCV000050036.2), dbSNP rs137854027, ClinGen allele CA022512.

ClinVar aggregate classification (germline): not provided. Review status: no classification provided (0 of 4 stars). 2 submissions from 1 submitter: not provided (1). 1 of the submissions does not count toward it.

Conditions:
Tuberous sclerosis syndrome (TSC). Also called: Tuberous Sclerosis Complex; Tuberous sclerosis. Identifiers: Orphanet 805, MedGen C0041341, MONDO:0001734.

Submissions (2):

Tuberous sclerosis database (TSC2)
No classification provided. Condition: TSC. Review status: no classification provided. Criteria: Tuberous Sclerosis Database Assertion Criteria 2015. Collection method: curation. Allele origin: germline. Affected: yes.

Tuberous sclerosis database (TSC2)
No classification provided. Condition: TSC. Review status: flagged submission. Criteria: Tuberous Sclerosis Database Assertion Criteria 2015. Collection method: curation. Allele origin: germline. Affected: yes. Not counted in ClinVar's aggregate classification.
ClinVar note: Reason: This record appears to be redundant with a more recent record from the same submitter.
ClinVar note: Notes: SCV000067108 appears to be redundant with SCV000083583.